The following is an entry in ClinVar:

NM_000626.4(CD79B):c.-8C>T

Genes: CD79B (CD79b molecule; minus strand), GH-LCR (growth hormone locus control region; plus strand). Cytogenetic location: 17q23.3.
Variant type: single nucleotide variant.
Coding change: c.-8C>T on transcript NM_000626.4 (MANE Select); 8 bases upstream of the start codon, C replaced by T.
Molecular consequence: 5 prime UTR variant.
Genome position (GRCh38, 1-based): chr17:63,932,269, G>A on the plus strand (C>T on the coding strand, the complement: CD79B is on the minus strand). VCF-style: chr17-63932269-G-A. GRCh37 (hg19) VCF-style: chr17-62009629-G-A.
Other names: c.-8C>T (NM_001039933.3, NM_001329050.2, NM_021602.4).
Identifiers: ClinVar variation 3042942 (VCV003042942.2), dbSNP rs200201924, ClinGen allele CA8708702.

ClinVar aggregate classification (germline): Likely benign (0 of 4 stars; one submission).

Conditions:
CD79B-related disorder. Also called: CD79B-related condition.

Allele frequency attached by ClinVar (database versions not stated): gnomAD 0.00008; TOPMed 0.00008; ExAC 0.00015; 1000 Genomes Project 30x 0.00031; 1000 Genomes Project 0.00040.
gnomAD v4.1: 182 of 1,611,328 alleles (0.011%); highest among the groups gnomAD compares: East Asian, 0.13%; no homozygotes.

Submission:

PreventionGenetics, part of Exact Sciences
Classification: Likely benign for CD79B-related condition. Last evaluated: 2019-06-25. Review status: no assertion criteria provided. Collection method: clinical testing. Allele origin: germline.
Comment: This variant is classified as likely benign based on ACMG/AMP sequence variant interpretation guidelines (Richards et al. 2015 PMID: 25741868, with internal and published modifications).